The following is an entry in ClinVar:

ClinVar aggregate classification (germline): Uncertain significance (1 of 4 stars; one submission).

Conditions:
Congenital adrenal hypoplasia, X-linked (AHC). Also called: Isolated X-Linked Adrenal Hypoplasia Congenita; X-linked AHC; X-Linked Adrenal Hypoplasia Congenita; ADRENAL HYPOPLASIA, CONGENITAL, WITH HYPOGONADOTROPIC HYPOGONADISM. Identifiers: Orphanet 95702, MedGen C0342482, MONDO:0010264, OMIM 300200. Disease mechanism: loss of function.
46,XY sex reversal 2. Also called: NR0B1-Related 46,XY CGD; NR0B1-related 46,XY complete gonadal dysgenesis; Dosage-sensitive sex reversal; 46XY sex reversal 2, dosage-sensitive; 46,XY SEX REVERSAL, DAX1-RELATED. Identifiers: MedGen C1848296, MONDO:0010226, OMIM 300018.

Submission:

Labcorp Genetics (formerly Invitae), Labcorp
Classification: Uncertain significance for Congenital adrenal hypoplasia, X-linked; 46,XY sex reversal 2. Last evaluated: 2025-09-03. Review status: criteria provided, single submitter. Criteria: Invitae Variant Classification Sherloc (09022015). Collection method: clinical testing. Allele origin: germline.
Comment: This sequence change replaces leucine, which is neutral and non-polar, with phenylalanine, which is neutral and non-polar, at codon 263 of the NR0B1 protein (p.Leu263Phe). This variant is not present in population databases (gnomAD no frequency). This variant has not been reported in the literature in individuals affected with NR0B1-related conditions. Invitae Evidence Modeling of protein sequence and biophysical properties (such as structural, functional, and spatial information, amino acid conservation, physicochemical variation, residue mobility, and thermodynamic stability) has been performed for this missense variant. However, the output from this modeling did not meet the statistical confidence thresholds required to predict the impact of this variant on NR0B1 protein function. In summary, the available evidence is currently insufficient to determine the role of this variant in disease. Therefore, it has been classified as a Variant of Uncertain Significance.

NM_000475.5(NR0B1):c.789G>C (p.Leu263Phe)

Gene: NR0B1 (nuclear receptor subfamily 0 group B member 1; minus strand). Cytogenetic location: Xp21.2.
Variant type: single nucleotide variant.
Coding change: c.789G>C on transcript NM_000475.5 (MANE Select); coding-DNA position 789, G replaced by C.
Protein change: p.Leu263Phe; replaces leucine 263 with phenylalanine.
Molecular consequence: missense variant.
Genome position (GRCh38, 1-based): chrX:30,308,575, C>G on the plus strand (G>C on the coding strand, the complement: NR0B1 is on the minus strand). VCF-style: chrX-30308575-C-G. GRCh37 (hg19) VCF-style: chrX-30326692-C-G.
Other names: short protein forms L263F.
Identifiers: ClinVar variation 4782435 (VCV004782435.1).